The following is an entry in ClinVar:

NM_000152.5(GAA):c.1985C>T (p.Thr662Ile)

Gene: GAA (alpha glucosidase; plus strand). Cytogenetic location: 17q25.3.
Variant type: single nucleotide variant.
Coding change: c.1985C>T on transcript NM_000152.5 (MANE Select); coding-DNA position 1985, C replaced by T.
Protein change: p.Thr662Ile; replaces threonine 662 with isoleucine.
Molecular consequence: missense variant.
Genome position (GRCh38, 1-based): chr17:80,112,972, C>T. VCF-style: chr17-80112972-C-T. GRCh37 (hg19) VCF-style: chr17-78086771-C-T.
Other names: c.1985C>T, p.Thr662Ile (NM_001079803.3, NM_001079804.3); short protein forms T662I.
Identifiers: ClinVar variation 834393 (VCV000834393.6), dbSNP rs2039278795, ClinGen allele CA401370015.

ClinVar aggregate classification (germline): Uncertain significance (1 of 4 stars; one submission).

Conditions:
Glycogen storage disease, type II (IOPD). Also called: GLYCOGENOSIS, GENERALIZED, CARDIAC FORM; GSD II; Pompe Disease; Glycogen storage disease type 2; Acid maltase deficiency disease; Aglucosidase alfa. Identifiers: Orphanet 365, MedGen C0017921, MONDO:0009290, OMIM 232300.

Submission:

Labcorp Genetics (formerly Invitae), Labcorp
Classification: Uncertain significance for Glycogen storage disease, type II. Last evaluated: 2021-10-28. Review status: criteria provided, single submitter. Criteria: Invitae Variant Classification Sherloc (09022015). Collection method: clinical testing. Allele origin: germline.
Comment: This variant is not present in population databases (gnomAD no frequency). In summary, the available evidence is currently insufficient to determine the role of this variant in disease. Therefore, it has been classified as a Variant of Uncertain Significance. Advanced modeling of protein sequence and biophysical properties (such as structural, functional, and spatial information, amino acid conservation, physicochemical variation, residue mobility, and thermodynamic stability) performed at Invitae indicates that this missense variant is not expected to disrupt GAA protein function. ClinVar contains an entry for this variant (Variation ID: 834393). This variant has not been reported in the literature in individuals affected with GAA-related conditions. This sequence change replaces threonine, which is neutral and polar, with isoleucine, which is neutral and non-polar, at codon 662 of the GAA protein (p.Thr662Ile).